The following is an entry in ClinVar:

ClinVar aggregate classification (germline): Uncertain significance (1 of 4 stars; one submission).

Conditions:
Congenital disorder of glycosylation, type Ii. Also called: ALG2-congenital disorder of glycosylation; CDG Ii; ALG2-CDG. Identifiers: Orphanet 79326, MedGen C1842836, MONDO:0011933, OMIM 607906.
Congenital myasthenic syndrome 14. Also called: Myasthenic syndrome, congenital, 14, with tubular aggregates. Identifiers: Orphanet 353327, Orphanet 590, MedGen C4015597, MONDO:0014543, OMIM 616228.

Allele frequency attached by ClinVar (database versions not stated): TOPMed below 0.00001.

Submission:

Labcorp Genetics (formerly Invitae), Labcorp
Classification: Uncertain significance for Congenital disorder of glycosylation, type Ii; Congenital myasthenic syndrome 14. Last evaluated: 2023-08-04. Review status: criteria provided, single submitter. Criteria: Invitae Variant Classification Sherloc (09022015). Collection method: clinical testing. Allele origin: germline.
Comment: In summary, the available evidence is currently insufficient to determine the role of this variant in disease. Therefore, it has been classified as a Variant of Uncertain Significance. An algorithm developed to predict the effect of missense changes on protein structure and function (PolyPhen-2) suggests that this variant is likely to be disruptive. ClinVar contains an entry for this variant (Variation ID: 2090928). This variant has not been reported in the literature in individuals affected with ALG2-related conditions. This variant is not present in population databases (gnomAD no frequency). This sequence change replaces aspartic acid, which is acidic and polar, with histidine, which is basic and polar, at codon 110 of the ALG2 protein (p.Asp110His).

NM_033087.4(ALG2):c.328G>C (p.Asp110His)

Gene: ALG2 (ALG2 alpha-1,3/1,6-mannosyltransferase; minus strand). Cytogenetic location: 9q22.33.
Variant type: single nucleotide variant.
Coding change: c.328G>C on transcript NM_033087.4 (MANE Select); coding-DNA position 328, G replaced by C.
Protein change: p.Asp110His; replaces aspartic acid 110 with histidine.
Molecular consequence: missense variant. On other transcripts: non-coding transcript variant (1).
Genome position (GRCh38, 1-based): chr9:99,221,567, C>G on the plus strand (G>C on the coding strand, the complement: ALG2 is on the minus strand). VCF-style: chr9-99221567-C-G. GRCh37 (hg19) VCF-style: chr9-101983849-C-G.
Other names: short protein forms D110H.
Identifiers: ClinVar variation 2090928 (VCV002090928.4), dbSNP rs1035196726, ClinGen allele CA196855906.